The following is an entry in ClinVar:

ClinVar aggregate classification (germline): Likely benign. Review status: criteria provided, multiple submitters, no conflicts (2 of 4 stars). 4 submissions from 4 submitters: Likely benign (3). 1 of the submissions does not count toward it. Last evaluated 2025-10-18.

Conditions:
Cardiovascular phenotype. Identifiers: MedGen CN230736.
Alstrom syndrome (ALMS). Identifiers: Orphanet 64, MedGen C0268425, MONDO:0008763, OMIM 203800.

Allele frequency attached by ClinVar (database versions not stated): gnomAD 0.00001; gnomAD exomes 0.00001 and 0.00005; TOPMed 0.00002; ExAC 0.00004.
gnomAD v4.1: 13 of 1,614,018 alleles (0.00081%); highest among the groups gnomAD compares: East Asian, 0.022%; no homozygotes.

Submissions (4):

Labcorp Genetics (formerly Invitae), Labcorp
Classification: Likely benign for Alstrom syndrome. Last evaluated: 2025-10-18. Review status: criteria provided, single submitter. Criteria: Invitae Variant Classification Sherloc (09022015). Collection method: clinical testing. Allele origin: germline.

Ambry Genetics
Classification: Likely benign for Cardiovascular phenotype. Last evaluated: 2024-03-24. Review status: criteria provided, single submitter. Criteria: Ambry Variant Classification Scheme 2023. Collection method: clinical testing. Allele origin: germline.

Women's Health and Genetics/Laboratory Corporation of America, LabCorp
Classification: Likely benign. Last evaluated: 2022-07-05. Review status: criteria provided, single submitter. Criteria: LabCorp Variant Classification Summary - May 2015. Collection method: clinical testing. Allele origin: germline.
Comment: Variant summary: ALMS1 c.12279C>T (also known as c.12285C>T in RefSeq) alters a non-conserved nucleotide resulting in a synonymous change. 4/4 computational tools predict no significant impact on normal splicing, however, these predictions have yet to be confirmed by functional studies. The variant allele was found at a frequency of 4.8e-05 in 251196 control chromosomes (gnomAD). This frequency is not significantly higher than expected for a pathogenic variant in ALMS1 causing Alstrom Syndrome With Dilated Cardiomyopathy (4.8e-05 vs 0.0018), allowing no conclusion about variant significance. To our knowledge, no occurrence of c.12279C>T in individuals affected with Alstrom Syndrome With Dilated Cardiomyopathy and no experimental evidence demonstrating its impact on protein function have been reported. Two ClinVar submitters have assessed the variant since 2014: both classified the variant as likely benign. Based on the evidence outlined above, the variant was classified as likely benign.

Natera, Inc.
Classification: Likely benign for Alstrom syndrome. Last evaluated: 2020-06-21. Review status: no assertion criteria provided. Collection method: clinical testing. Allele origin: germline. Not counted in ClinVar's aggregate classification.

NM_001378454.1(ALMS1):c.12282C>T (p.Cys4094=)

Genes: ALMS1 (ALMS1 centrosome and basal body associated protein; plus strand), LOC126806252 (BRD4-independent group 4 enhancer GRCh37_chr2:73828496-73829695; plus strand). Cytogenetic location: 2p13.1.
Variant type: single nucleotide variant.
Coding change: c.12282C>T on transcript NM_001378454.1 (MANE Select); coding-DNA position 12282, C replaced by T.
Protein change: p.Cys4094=; no amino-acid change (cysteine 4094 retained).
Molecular consequence: synonymous variant.
Genome position (GRCh38, 1-based): chr2:73,602,352, C>T. VCF-style: chr2-73602352-C-T. GRCh37 (hg19) VCF-style: chr2-73829479-C-T.
Other names: c.12285C>T, p.Cys4095= (NM_015120.4).
Identifiers: ClinVar variation 1127227 (VCV001127227.15), dbSNP rs760968067, ClinGen allele CA1715503.
Genomic context (GRCh38, chr2:73,602,352, plus strand): 5'-CGAGCGGGATGCACTATTCAACATTGACAGGGAACGGCAGGGCCACCAGAATCGCATGTG[C>T]CCGCTGCCCAAGAGAGGTACGCCCTGCCCGTTCACTTTCCTGTGAGTGGAATAGAGAAGG-3'
Protein context (NP_001365383.1, residues 4084-4104): RERQGHQNRM[Cys4094=]PLPKRVFLAI